The following is an entry in ClinVar:

ClinVar aggregate classification (germline): Likely benign. Review status: criteria provided, multiple submitters, no conflicts (2 of 4 stars). 2 submissions from 2 submitters: Likely benign (2). Last evaluated 2025-08-25.

Conditions:
Developmental and epileptic encephalopathy, 12 (DEE12). Identifiers: MedGen C3150988, MONDO:0013389, OMIM 613722.

Allele frequency attached by ClinVar (database versions not stated): gnomAD 0.00005; TOPMed 0.00005; ExAC 0.00009; ESP Exome Variant Server 0.00015.
gnomAD v4.1: 103 of 1,613,718 alleles (0.0064%); highest among the groups gnomAD compares: Non-Finnish European, 0.0084%; no homozygotes.

Submissions (2):

Labcorp Genetics (formerly Invitae), Labcorp
Classification: Likely benign for Developmental and epileptic encephalopathy, 12. Last evaluated: 2025-08-25. Review status: criteria provided, single submitter. Criteria: Invitae Variant Classification Sherloc (09022015). Collection method: clinical testing. Allele origin: germline.

CeGaT Center for Human Genetics Tuebingen
Classification: Likely benign. Last evaluated: 2023-06-01. Review status: criteria provided, single submitter. Criteria: CeGaT Center For Human Genetics Tuebingen Variant Classification Criteria Version 2. Collection method: clinical testing. Allele origin: germline. Affected: yes. Observed: 1 variant allele.
Comment: PNKP: BP4

NM_007254.4(PNKP):c.1126+7G>A

Gene: PNKP (polynucleotide kinase 3'-phosphatase; minus strand). Cytogenetic location: 19q13.33.
Variant type: single nucleotide variant.
Coding change: c.1126+7G>A on transcript NM_007254.4 (MANE Select); 7 bases into the intron after coding-DNA position 1126, G replaced by A.
Molecular consequence: intron variant.
Genome position (GRCh38, 1-based): chr19:49,862,178, C>T on the plus strand (G>A on the coding strand, the complement: PNKP is on the minus strand). VCF-style: chr19-49862178-C-T. GRCh37 (hg19) VCF-style: chr19-50365435-C-T.
Identifiers: ClinVar variation 1085716 (VCV001085716.35), dbSNP rs368201882, ClinGen allele CA9586604.
Genomic context (GRCh38, chr19:49,862,178, plus strand): 5'-CAGTGTCGGTGGGTGGCCTAGGACCCAGGCGGGGCTCAGGGCACGCGCACAGGAACAGGA[C>T]ACTTACCCCCAGGGAATCCCACTGCGACAACCACCTCCGGGCTGGCGCTCAGGAGGGCCC-3'